The following is an entry in ClinVar:

Conditions:
Breast-ovarian cancer, familial, susceptibility to, 1 (BROVCA1). Also called: BRCA1 Hereditary Breast and Ovarian Cancer; OVARIAN CANCER, SUSCEPTIBILITY TO. Identifiers: Orphanet 145, MedGen C2676676, MONDO:0011450, OMIM 604370. Disease mechanism: loss of function.

Submission:

Brotman Baty Institute, University of Washington
No classification provided (evidence only). Condition: Breast-ovarian cancer, familial 1. Review status: no classification provided. Collection method: in vitro. Allele origin: not applicable. Functional consequence: functionally_normal.
ClinVar note: "not provided" was previously submitted as the classification for the variant. However, the classification appeared to be based only on an observation of functional data so it was converted to no classification on 2025-07-30.

NM_007294.4(BRCA1):c.5320A>T (p.Asn1774Tyr)

Gene: BRCA1 (BRCA1 DNA repair associated; minus strand). Cytogenetic location: 17q21.31.
Variant type: single nucleotide variant.
Coding change: c.5320A>T on transcript NM_007294.4 (MANE Select); coding-DNA position 5320, A replaced by T.
Protein change: p.Asn1774Tyr; replaces asparagine 1774 with tyrosine.
Molecular consequence: missense variant. On other transcripts: non-coding transcript variant (1).
Genome position (GRCh38, 1-based): chr17:43,051,075, T>A on the plus strand (A>T on the coding strand, the complement: BRCA1 is on the minus strand). VCF-style: chr17-43051075-T-A. GRCh37 (hg19) VCF-style: chr17-41203092-T-A.
Other names: c.5107A>T, p.Asn1703Tyr (NM_001407571.1, NM_001407894.1, NM_001407895.1 and 12 more transcripts); c.5386A>T, p.Asn1796Tyr (NM_001407581.1, NM_001407582.1); c.5383A>T, p.Asn1795Tyr (NM_001407583.1, NM_001407585.1, NM_001407587.1 and 1 more transcripts); c.5380A>T, p.Asn1794Tyr (NM_001407590.1, NM_001407591.1); c.5320A>T, p.Asn1774Tyr (NM_001407593.1, NM_001407594.1, NM_001407596.1 and 6 more transcripts); c.5317A>T, p.Asn1773Tyr (NM_001407610.1, NM_001407621.1, NM_001407622.1 and 17 more transcripts); c.5314A>T, p.Asn1772Tyr (NM_001407627.1, NM_001407628.1, NM_001407629.1 and 14 more transcripts); c.5311A>T, p.Asn1771Tyr (NM_001407644.1, NM_001407645.1); and 72 more; short protein forms N1795Y, N1774Y, N670Y, N1727Y, N1477Y, N1620Y, N1646Y, N1661Y.
Identifiers: ClinVar variation 867992 (VCV000867992.3), dbSNP rs1597804254, ClinGen allele CA10590911.
Genomic context (GRCh38, chr17:43,051,075, plus strand): 5'-TAAGACAAAGGCTGGTGCTGGAACTCTGGGGTTCTCCCAGGCTCTTACCTGTGGGCATGT[T>A]GGTGAAGGGCCCATAGCAACAGATTTCTAGCCCCCTGAAGATCTGGAAGAAGAGAGGAAG-3'
Protein context (NP_009225.1, residues 1764-1784): LEICCYGPFT[Asn1774Tyr]MPTDQLEWMV